The following is an entry in ClinVar:

NM_001384140.1(PCDH15):c.3984-2A>T

Gene: PCDH15 (protocadherin related 15; minus strand). Cytogenetic location: 10q21.1.
Variant type: single nucleotide variant.
Coding change: c.3984-2A>T on transcript NM_001384140.1 (MANE Select); the canonical splice acceptor site of the intron before coding-DNA position 3984, A replaced by T.
Molecular consequence: splice acceptor variant.
Genome position (GRCh38, 1-based): chr10:53,831,535, T>A on the plus strand (A>T on the coding strand, the complement: PCDH15 is on the minus strand). VCF-style: chr10-53831535-T-A. GRCh37 (hg19) VCF-style: chr10-55591295-T-A.
Other names: c.3918-2A>T (NM_001142773.2, NM_001142768.2, NM_001354404.2); c.3873-2A>T (NM_001142767.2); c.3771-2A>T (NM_001142765.2); c.3984-2A>T (NM_001142766.2, NM_033056.4, NM_001142764.2 and 4 more transcripts); c.3999-2A>T (NM_001142763.2, NM_001142771.2); c.4005-2A>T (NM_001354411.2); c.4020-2A>T (NM_001142769.3).
Identifiers: ClinVar variation 963948 (VCV000963948.8), dbSNP rs1554824185, ClinGen allele CA376528634.

ClinVar aggregate classification (germline): Likely pathogenic (1 of 4 stars; one submission).

Submission:

Labcorp Genetics (formerly Invitae), Labcorp
Classification: Likely pathogenic. Last evaluated: 2021-11-11. Review status: criteria provided, single submitter. Criteria: Invitae Variant Classification Sherloc (09022015). Collection method: clinical testing. Allele origin: germline.
Comment: In summary, the currently available evidence indicates that the variant is pathogenic, but additional data are needed to prove that conclusively. Therefore, this variant has been classified as Likely Pathogenic. Algorithms developed to predict the effect of sequence changes on RNA splicing suggest that this variant may disrupt the consensus splice site. ClinVar contains an entry for this variant (Variation ID: 963948). This variant has not been reported in the literature in individuals affected with PCDH15-related conditions. This variant is not present in population databases (gnomAD no frequency). This sequence change affects an acceptor splice site in intron 29 of the PCDH15 gene. It is expected to disrupt RNA splicing. Variants that disrupt the donor or acceptor splice site typically lead to a loss of protein function (PMID: 16199547), and loss-of-function variants in PCDH15 are known to be pathogenic (PMID: 11398101, 11487575, 14570705).

Literature cited by the submitters: PubMed 16199547; PubMed 11398101; PubMed 11487575; PubMed 14570705.